The following is an entry in ClinVar:

NM_000465.4(BARD1):c.536C>T (p.Ser179Leu)

Gene: BARD1 (BRCA1 associated RING domain 1; minus strand). Cytogenetic location: 2q35.
Variant type: single nucleotide variant.
Coding change: c.536C>T on transcript NM_000465.4 (MANE Select); coding-DNA position 536, C replaced by T.
Protein change: p.Ser179Leu; replaces serine 179 with leucine.
Molecular consequence: missense variant. On other transcripts: non-coding transcript variant (2), intron variant (3).
Genome position (GRCh38, 1-based): chr2:214,781,338, G>A on the plus strand (C>T on the coding strand, the complement: BARD1 is on the minus strand). VCF-style: chr2-214781338-G-A. GRCh37 (hg19) VCF-style: chr2-215646062-G-A.
Other names: c.479C>T, p.Ser160Leu (NM_001282543.2); c.158+28074C>T (NM_001282548.2); c.215+15723C>T (NM_001282545.2); c.364+10959C>T (NM_001282549.2); c.536C>T (NM_000465.2); short protein forms S160L, S179L.
Identifiers: ClinVar variation 1052464 (VCV001052464.16), dbSNP rs2106111914, ClinGen allele CA350457436.

ClinVar aggregate classification (germline): Uncertain significance. Review status: criteria provided, multiple submitters, no conflicts (2 of 4 stars). 5 submissions from 5 submitters: Uncertain significance (5). Last evaluated 2025-12-02.

Conditions:
Familial cancer of breast. Also called: hereditary breast carcinoma; BREAST CANCER, FAMILIAL; Hereditary breast cancer. Identifiers: Orphanet 227535, MedGen C0346153, MONDO:0016419, OMIM 114480. Disease mechanism: loss of function.
Hereditary cancer-predisposing syndrome. Also called: Neoplastic Syndromes, Hereditary; Tumor predisposition; Hereditary Cancer Syndrome; Hereditary neoplastic syndrome. Identifiers: Orphanet 140162, MedGen C0027672, MeSH D009386, MONDO:0015356.

Submissions (5):

Ambry Genetics
Classification: Uncertain significance for Hereditary cancer-predisposing syndrome. Last evaluated: 2025-12-02. Review status: criteria provided, single submitter. Criteria: Ambry Variant Classification Scheme 2023. Collection method: clinical testing. Allele origin: germline.

Labcorp Genetics (formerly Invitae), Labcorp
Classification: Uncertain significance for Familial cancer of breast. Last evaluated: 2025-06-14. Review status: criteria provided, single submitter. Criteria: Invitae Variant Classification Sherloc (09022015). Collection method: clinical testing. Allele origin: germline.
Comment: This sequence change replaces serine, which is neutral and polar, with leucine, which is neutral and non-polar, at codon 179 of the BARD1 protein (p.Ser179Leu). This variant is not present in population databases (gnomAD no frequency). This variant has not been reported in the literature in individuals affected with BARD1-related conditions. ClinVar contains an entry for this variant (Variation ID: 1052464). An algorithm developed to predict the effect of missense changes on protein structure and function (PolyPhen-2) suggests that this variant is likely to be tolerated. In summary, the available evidence is currently insufficient to determine the role of this variant in disease. Therefore, it has been classified as a Variant of Uncertain Significance.

Dasa
Classification: Uncertain significance. Last evaluated: 2025-05-26. Review status: criteria provided, single submitter. Criteria: DASA Assertion Criteria. Collection method: clinical testing. Allele origin: germline.
Comment: NM_000465.4(BARD1):c.536C>T (p.Ser179Leu) is a missense variant that results in the substitution of serine with leucine. This variant is absent from population databases. Computational prediction algorithms are consistent with a benign effect. The currently available literature and clinical evidence are not sufficient to establish a definitive association between this variant and the reported condition. Therefore, this variant is classified as a variant of uncertain significance.

Hereditary Cancer Laboratory, Hospital Universitario 12 de Octubre
Classification: Uncertain significance for Hereditary cancer-predisposing syndrome. Last evaluated: 2024-09-16. Review status: criteria provided, single submitter. Criteria: ACMG Guidelines, 2015. Collection method: clinical testing. Allele origin: germline.
Comment: PM2 + BP4

Color Diagnostics, LLC DBA Color Health
Classification: Uncertain significance for Hereditary cancer-predisposing syndrome. Last evaluated: 2024-03-06. Review status: criteria provided, single submitter. Criteria: ACMG Guidelines, 2015. Collection method: clinical testing. Allele origin: germline.
Comment: This missense variant replaces serine with leucine at codon 179 of the BARD1 protein. Computational prediction suggests that this variant may not impact protein structure and function (internally defined REVEL score threshold <= 0.5, PMID: 27666373). To our knowledge, functional studies have not been reported for this variant. This variant has not been reported in individuals affected with hereditary cancer in the literature. This variant has not been identified in the general population by the Genome Aggregation Database (gnomAD). The available evidence is insufficient to determine the role of this variant in disease conclusively. Therefore, this variant is classified as a Variant of Uncertain Significance.